The following is an entry in ClinVar:

ClinVar aggregate classification (germline): Pathogenic (1 of 4 stars; one submission).

Conditions:
Jeune thoracic dystrophy. Also called: Jeune syndrome; Infantile thoracic dystrophy; Thoracic pelvic phalangeal dystrophy; Jeune's syndrome; Chondroectodermal dysplasia-like syndrome; Short-rib thoracic dysplasia. Identifiers: Orphanet 474, MedGen C0265275, MONDO:0018770.
Nephronophthisis. Also called: Juvenile Nephronophthisis. Identifiers: Orphanet 655, MedGen C0687120, MONDO:0019005, HP:0000090.

Submission:

Labcorp Genetics (formerly Invitae), Labcorp
Classification: Pathogenic for Jeune thoracic dystrophy; Nephronophthisis. Last evaluated: 2022-06-01. Review status: criteria provided, single submitter. Criteria: Invitae Variant Classification Sherloc (09022015). Collection method: clinical testing. Allele origin: germline.
Comment: This variant is not present in population databases (gnomAD no frequency). This variant has not been reported in the literature in individuals affected with TTC21B-related conditions. For these reasons, this variant has been classified as Pathogenic. This sequence change creates a premature translational stop signal (p.Gln879*) in the TTC21B gene. It is expected to result in an absent or disrupted protein product. Loss-of-function variants in TTC21B are known to be pathogenic (PMID: 18327258, 21068128, 21258341, 23559409, 24876116, 25492405, 27491411, 29068549).

Literature cited by the submitters: PubMed 18327258; PubMed 21068128; PubMed 21258341; PubMed 23559409; PubMed 24876116; PubMed 25492405; PubMed 27491411; PubMed 29068549.

NM_024753.5(TTC21B):c.2635C>T (p.Gln879Ter)

Gene: TTC21B (tetratricopeptide repeat domain 21B; minus strand). Cytogenetic location: 2q24.3.
Variant type: single nucleotide variant.
Coding change: c.2635C>T on transcript NM_024753.5 (MANE Select); coding-DNA position 2635, C replaced by T.
Protein change: p.Gln879Ter; replaces glutamine 879 with a stop codon.
Molecular consequence: nonsense.
Genome position (GRCh38, 1-based): chr2:165,901,844, G>A on the plus strand (C>T on the coding strand, the complement: TTC21B is on the minus strand). VCF-style: chr2-165901844-G-A. GRCh37 (hg19) VCF-style: chr2-166758354-G-A.
Other names: short protein forms Q879*.
Identifiers: ClinVar variation 2417145 (VCV002417145.5), dbSNP rs2468144479, ClinGen allele CA349052777.